The following is an entry in ClinVar:

NM_002087.4(GRN):c.87dup (p.Cys30fs)

Gene: GRN (granulin precursor; plus strand). Cytogenetic location: 17q21.31.
Variant type: Duplication.
Coding change: c.87dup on transcript NM_002087.4 (MANE Select); coding-DNA position 87, one base duplicated (C; older notation c.87dupC).
Protein change: p.Cys30fs; shifts the reading frame from cysteine 30.
Molecular consequence: frameshift variant.
Genome position (GRCh38, 1-based): chr17:44,349,251, C duplicated; the last of 2 consecutive C bases (chr17:44,349,250-44,349,251); duplicating either gives the same sequence. VCF-style (leftmost placement, unchanged base first): chr17-44349249-G-GC. GRCh37 (hg19) VCF-style: chr17-42426617-G-GC.
Other names: short protein forms C30fs.
Identifiers: ClinVar variation 203459 (VCV000203459.7), dbSNP rs794729672, ClinGen allele CA275538.

ClinVar aggregate classification (germline): Pathogenic. Review status: criteria provided, single submitter (1 of 4 stars). 2 submissions from 2 submitters: Pathogenic (1). 1 of the submissions does not count toward it. Last evaluated 2022-08-22.

Conditions:
Neuronal ceroid lipofuscinosis 11. Also called: GRN-Related Neuronal Ceroid-Lipofuscinosis. Identifiers: Orphanet 314629, Orphanet 79262, MedGen C3539123, MONDO:0013866, OMIM 614706.
GRN-related frontotemporal lobar degeneration with Tdp43 inclusions (FTD2). Also called: DEMENTIA, HEREDITARY DYSPHASIC DISINHIBITION; FRONTOTEMPORAL LOBAR DEGENERATION WITH UBIQUITIN-POSITIVE INCLUSIONS; FTLD-TDP, GRN-RELATED; GRN Frontotemporal Dementia; FRONTOTEMPORAL DEMENTIA WITH TDP43 INCLUSIONS, GRN-RELATED. Identifiers: Orphanet 100070, Orphanet 282, MedGen C1843792, MONDO:0011842, OMIM 607485. Disease mechanism: loss of function.
Frontotemporal dementia (FTD1). Also called: FRONTOTEMPORAL DEMENTIA WITH PARKINSONISM; FRONTOTEMPORAL LOBE DEMENTIA; MULTIPLE SYSTEM TAUOPATHY WITH PRESENILE DEMENTIA; WILHELMSEN-LYNCH DISEASE; Frontotemporal lobe dementia (FLDEM); Dementia, frontotemporal, with or without parkinsonism. Identifiers: Orphanet 282, MedGen C0338451, MONDO:0017276, OMIM 600274, HP:0002145.

Submissions (2):

Labcorp Genetics (formerly Invitae), Labcorp
Classification: Pathogenic for Neuronal ceroid lipofuscinosis 11; GRN-related frontotemporal lobar degeneration with Tdp43 inclusions. Last evaluated: 2022-08-22. Review status: criteria provided, single submitter. Criteria: Invitae Variant Classification Sherloc (09022015). Collection method: clinical testing. Allele origin: germline.
Comment: ClinVar contains an entry for this variant (Variation ID: 203459). For these reasons, this variant has been classified as Pathogenic. This premature translational stop signal has been observed in individual(s) with clinical features of GRN-related conditions (PMID: 29724592, 30992141). This variant is present in population databases (rs764167030, gnomAD 0.003%). This sequence change creates a premature translational stop signal (p.Cys30Leufs*35) in the GRN gene. It is expected to result in an absent or disrupted protein product. Loss-of-function variants in GRN are known to be pathogenic (PMID: 16862116, 16950801, 22608501).

Translational Genetics in Neurodegenerative disease, Karolinska Institutet
Classification: Pathogenic for Frontotemporal dementia. Review status: no assertion criteria provided. Collection method: research. Allele origin: germline. Affected: yes. Not counted in ClinVar's aggregate classification.

Literature cited by the submitters: PubMed 29724592 (cited by Labcorp Genetics (formerly Invitae), Labcorp); PubMed 30992141 (cited by Labcorp Genetics (formerly Invitae), Labcorp); PubMed 16862116 (cited by Labcorp Genetics (formerly Invitae), Labcorp); PubMed 16950801 (cited by Labcorp Genetics (formerly Invitae), Labcorp); PubMed 22608501 (cited by Labcorp Genetics (formerly Invitae), Labcorp).